The following is an entry in ClinVar:

ClinVar aggregate classification (germline): Uncertain significance (1 of 4 stars; one submission).

Submission:

Women's Health and Genetics/Laboratory Corporation of America, LabCorp
Classification: Uncertain significance. Last evaluated: 2024-04-17. Review status: criteria provided, single submitter. Criteria: LabCorp Variant Classification Summary - May 2015. Collection method: clinical testing. Allele origin: germline.
Comment: Variant summary: ABCC8 c.2368G>C (p.Glu790Gln) results in a conservative amino acid change located in the ABC transporter-like, ATP-binding domain (IPR003439) of the encoded protein sequence. Three of five in-silico tools predict a damaging effect of the variant on protein function. The variant was absent in 251484 control chromosomes (gnomAD). c.2368G>C has been reported in the literature in an individual affected with Pulmonary Arterial Hypertension as well as their unaffected mother (Bohnen_2018). This report does not provide unequivocal conclusions about association of the variant with Familial Hyperinsulinism. This publication reports experimental evidence evaluating an impact on protein function, finding that the variant results in 10%-<30% of normal channel current activity. The following publication has been ascertained in the context of this evaluation (PMID: 30354297). No submitters have cited clinical-significance assessments for this variant to ClinVar. Based on the evidence outlined above, the variant was classified as VUS-possibly pathogenic.

Literature cited by the submitters: PubMed 30354297.

NM_000352.6(ABCC8):c.2368G>C (p.Glu790Gln)

Genes: ABCC8 (ATP binding cassette subfamily C member 8; minus strand), LOC110121471 (VISTA enhancer hs1977; plus strand). Cytogenetic location: 11p15.1.
Variant type: single nucleotide variant.
Coding change: c.2368G>C on transcript NM_000352.6 (MANE Select); coding-DNA position 2368, G replaced by C.
Protein change: p.Glu790Gln; replaces glutamic acid 790 with glutamine.
Molecular consequence: missense variant. On other transcripts: non-coding transcript variant (1).
Genome position (GRCh38, 1-based): chr11:17,414,534, C>G on the plus strand (G>C on the coding strand, the complement: ABCC8 is on the minus strand). VCF-style: chr11-17414534-C-G. GRCh37 (hg19) VCF-style: chr11-17436081-C-G.
Other names: c.2371G>C, p.Glu791Gln (NM_001287174.3); c.2434G>C, p.Glu812Gln (NM_001351295.2); c.2368G>C, p.Glu790Gln (NM_001351296.2); c.2365G>C, p.Glu789Gln (NM_001351297.2); short protein forms E789Q, E790Q, E791Q, E812Q.
Identifiers: ClinVar variation 3251923 (VCV003251923.1), dbSNP rs1317396512.
Genomic context (GRCh38, chr11:17,414,534, plus strand): 5'-TCCCCTCCACATCCTGCCTCCCTCCGACAGGCTTTTACCGTTGTTTGTTGAAGGGACTCT[C>G]AAAGATGATGTTCTCCTCCACAGTGGCATTTAGCAGCCATGGTTTCTGCGAAGCATAGGC-3'
Protein context (NP_000343.2, residues 780-800): NATVEENIIF[Glu790Gln]SPFNKQRYKM